The following is an entry in ClinVar:

NM_000020.3(ACVRL1):c.621T>A (p.Cys207Ter)

Gene: ACVRL1 (activin A receptor like type 1; plus strand). Cytogenetic location: 12q13.13.
Variant type: single nucleotide variant.
Coding change: c.621T>A on transcript NM_000020.3 (MANE Select); coding-DNA position 621, T replaced by A.
Protein change: p.Cys207Ter; replaces cysteine 207 with a stop codon.
Molecular consequence: nonsense.
Genome position (GRCh38, 1-based): chr12:51,914,069, T>A. VCF-style: chr12-51914069-T-A. GRCh37 (hg19) VCF-style: chr12-52307853-T-A.
Other names: c.621T>A, p.Cys207Ter (NM_001077401.2); short protein forms C207*.
Identifiers: ClinVar variation 950456 (VCV000950456.7), dbSNP rs1940766819, ClinGen allele CA384899920.

ClinVar aggregate classification (germline): Pathogenic (1 of 4 stars; one submission).

Conditions:
Telangiectasia, hereditary hemorrhagic, type 2 (HHT2). Also called: ACVRL1-Related Hereditary Hemorrhagic Telangiectasia; Telangiectasia, hereditary hemorrhagic, type II. Identifiers: Orphanet 774, MedGen C1838163, MONDO:0010880, OMIM 600376. Disease mechanism: loss of function.

Submission:

Labcorp Genetics (formerly Invitae), Labcorp
Classification: Pathogenic for Telangiectasia, hereditary hemorrhagic, type 2. Last evaluated: 2019-04-29. Review status: criteria provided, single submitter. Criteria: Invitae Variant Classification Sherloc (09022015). Collection method: clinical testing. Allele origin: germline.
Comment: For these reasons, this variant has been classified as Pathogenic. Loss-of-function variants in ACVRL1 are known to be pathogenic (PMID: 15879500). This variant has not been reported in the literature in individuals with ACVRL1-related conditions. This variant is not present in population databases (ExAC no frequency). This sequence change creates a premature translational stop signal (p.Cys207*) in the ACVRL1 gene. It is expected to result in an absent or disrupted protein product.

Literature cited by the submitters: PubMed 15879500.